The following is an entry in ClinVar:

NM_001244008.2(KIF1A):c.2872C>G (p.Leu958Val)

Gene: KIF1A (kinesin family member 1A; minus strand). Cytogenetic location: 2q37.3.
Variant type: single nucleotide variant.
Coding change: c.2872C>G on transcript NM_001244008.2 (MANE Select); coding-DNA position 2872, C replaced by G.
Protein change: p.Leu958Val; replaces leucine 958 with valine.
Molecular consequence: missense variant.
Genome position (GRCh38, 1-based): chr2:240,750,534, G>C on the plus strand (C>G on the coding strand, the complement: KIF1A is on the minus strand). VCF-style: chr2-240750534-G-C. GRCh37 (hg19) VCF-style: chr2-241689951-G-C.
Other names: c.2596C>G, p.Leu866Val (NM_001320705.2, NM_001330289.2, NM_001379638.1); c.2671C>G, p.Leu891Val (NM_001330290.2, NM_001379634.1, NM_001379635.1 and 1 more transcripts); c.2947C>G, p.Leu983Val (NM_001379631.1); c.2821C>G, p.Leu941Val (NM_001379632.1); c.2845C>G, p.Leu949Val (NM_001379633.1, NM_001379642.1, NM_001379645.1); c.2569C>G, p.Leu857Val (NM_001379636.1, NM_001379639.1, NM_001379640.1 and 7 more transcripts); c.2644C>G, p.Leu882Val (NM_001379637.1, NM_001379648.1); short protein forms L882V, L891V, L857V, L866V, L941V, L949V, L958V, L983V.
Identifiers: ClinVar variation 2933661 (VCV002933661.3), dbSNP rs2537388405, ClinGen allele CA351320155.

ClinVar aggregate classification (germline): Uncertain significance (1 of 4 stars; one submission).

Conditions:
Neuropathy, hereditary sensory, type 2C. Also called: Hereditary sensory and autonomic neuropathy type IIC; KIF1A-Related HSAN2 (HSAN2C). Identifiers: Orphanet 970, MedGen C3280168, MONDO:0013634, OMIM 614213.
Hereditary spastic paraplegia 30. Identifiers: Orphanet 101010, MedGen C5235139, MONDO:0012476.
Intellectual disability, autosomal dominant 9 (NESCAVS). Also called: NESCAV SYNDROME; KIF1A-Related Neurodevelopmental Disorder. Identifiers: Orphanet 662367, MedGen C5393830, MONDO:0013656, OMIM 614255.

Allele frequency attached by ClinVar (database versions not stated): gnomAD exomes below 0.00001.
gnomAD v4.1: 3 of 1,613,552 alleles (0.00019%); highest among the groups gnomAD compares: East Asian, 0.0022%; no homozygotes.

Submission:

Labcorp Genetics (formerly Invitae), Labcorp
Classification: Uncertain significance for Hereditary spastic paraplegia 30; Neuropathy, hereditary sensory, type 2C; Intellectual disability, autosomal dominant 9. Last evaluated: 2026-01-21. Review status: criteria provided, single submitter. Criteria: Invitae Variant Classification Sherloc (09022015). Collection method: clinical testing. Allele origin: germline.
Comment: This sequence change replaces leucine, which is neutral and non-polar, with valine, which is neutral and non-polar, at codon 857 of the KIF1A protein (p.Leu857Val). This variant is not present in population databases (gnomAD no frequency). This variant has not been reported in the literature in individuals affected with KIF1A-related conditions. ClinVar contains an entry for this variant (Variation ID: 2933661). Invitae Evidence Modeling of protein sequence and biophysical properties (such as structural, functional, and spatial information, amino acid conservation, physicochemical variation, residue mobility, and thermodynamic stability) has been performed for this missense variant. However, the output from this modeling did not meet the statistical confidence thresholds required to predict the impact of this variant on KIF1A protein function. In summary, the available evidence is currently insufficient to determine the role of this variant in disease. Therefore, it has been classified as a Variant of Uncertain Significance.